The following is an entry in ClinVar:

ClinVar aggregate classification (germline): Uncertain significance (1 of 4 stars; one submission).

Submission:

Labcorp Genetics (formerly Invitae), Labcorp
Classification: Uncertain significance. Last evaluated: 2021-07-07. Review status: criteria provided, single submitter. Criteria: Invitae Variant Classification Sherloc (09022015). Collection method: clinical testing. Allele origin: germline.
Comment: In summary, the available evidence is currently insufficient to determine the role of this variant in disease. Therefore, it has been classified as a Variant of Uncertain Significance. This sequence change replaces leucine with phenylalanine at codon 129 of the IRF2BP2 protein (p.Leu129Phe). The leucine residue is moderately conserved and there is a small physicochemical difference between leucine and phenylalanine. The frequency data for this variant in the population databases is considered unreliable, as metrics indicate insufficient coverage at this position in the ExAC database. This variant has not been reported in the literature in individuals affected with IRF2BP2-related conditions. Algorithms developed to predict the effect of missense changes on protein structure and function are either unavailable or do not agree on the potential impact of this missense change (SIFT: "Tolerated"; PolyPhen-2: "Possibly Damaging"; Align-GVGD: "Class C0").

NM_182972.3(IRF2BP2):c.385C>T (p.Leu129Phe)

Genes: IRF2BP2 (interferon regulatory factor 2 binding protein 2; minus strand), LOC129932812 (ATAC-STARR-seq lymphoblastoid silent region 1977; plus strand). Cytogenetic location: 1q42.3.
Variant type: single nucleotide variant.
Coding change: c.385C>T on transcript NM_182972.3 (MANE Select); coding-DNA position 385, C replaced by T.
Protein change: p.Leu129Phe; replaces leucine 129 with phenylalanine.
Molecular consequence: missense variant.
Genome position (GRCh38, 1-based): chr1:234,609,110, G>A on the plus strand (C>T on the coding strand, the complement: IRF2BP2 is on the minus strand). VCF-style: chr1-234609110-G-A. GRCh37 (hg19) VCF-style: chr1-234744856-G-A.
Other names: c.385C>T, p.Leu129Phe (NM_001077397.1); short protein forms L129F.
Identifiers: ClinVar variation 1364674 (VCV001364674.8), dbSNP rs989405769, ClinGen allele CA345310754.